The following is an entry in ClinVar:

ClinVar aggregate classification (germline): Uncertain significance (1 of 4 stars; one submission).

Conditions:
Hereditary cancer-predisposing syndrome. Also called: Hereditary Cancer Syndrome; Hereditary neoplastic syndrome; Neoplastic Syndromes, Hereditary; Tumor predisposition. Identifiers: Orphanet 140162, MedGen C0027672, MeSH D009386, MONDO:0015356.

gnomAD v4.1: 1 of 1,614,104 alleles (0.000062%); highest among the groups gnomAD compares: Non-Finnish European, 0.000085%; no homozygotes.

Submission:

Ambry Genetics
Classification: Uncertain significance for Hereditary cancer-predisposing syndrome. Last evaluated: 2025-08-08. Review status: criteria provided, single submitter. Criteria: Ambry Variant Classification Scheme 2023. Collection method: clinical testing. Allele origin: germline.
Comment: The p.E48V variant (also known as c.143A>T), located in coding exon 1 of the FLCN gene, results from an A to T substitution at nucleotide position 143. The glutamic acid at codon 48 is replaced by valine, an amino acid with dissimilar properties. This amino acid position is highly conserved in available vertebrate species. In addition, the in silico prediction for this alteration is inconclusive. Based on the available evidence, the clinical significance of this variant remains unclear.

NM_144997.7(FLCN):c.143A>T (p.Glu48Val)

Gene: FLCN (folliculin; minus strand). Cytogenetic location: 17p11.2.
Variant type: single nucleotide variant.
Coding change: c.143A>T on transcript NM_144997.7 (MANE Select); coding-DNA position 143, A replaced by T.
Protein change: p.Glu48Val; replaces glutamic acid 48 with valine.
Molecular consequence: missense variant.
Genome position (GRCh38, 1-based): chr17:17,227,995, T>A on the plus strand (A>T on the coding strand, the complement: FLCN is on the minus strand). VCF-style: chr17-17227995-T-A. GRCh37 (hg19) VCF-style: chr17-17131309-T-A.
Other names: c.143A>T, p.Glu48Val (NM_001353229.2, NM_001353230.2, NM_001353231.2 and 1 more transcripts); short protein forms E48V.
Identifiers: ClinVar variation 4257936 (VCV004257936.1).